The following is an entry in ClinVar:

ClinVar aggregate classification (germline): Pathogenic (1 of 4 stars; one submission).

Conditions:
Hereditary cancer-predisposing syndrome. Also called: Neoplastic Syndromes, Hereditary; Tumor predisposition; Hereditary neoplastic syndrome; Hereditary Cancer Syndrome. Identifiers: Orphanet 140162, MedGen C0027672, MeSH D009386, MONDO:0015356.

Submission:

Ambry Genetics
Classification: Pathogenic for Hereditary cancer-predisposing syndrome. Last evaluated: 2026-07-22. Review status: criteria provided, single submitter. Criteria: Ambry Variant Classification Scheme 2023. Collection method: clinical testing. Allele origin: germline.
Comment: The p.W202R pathogenic mutation (also known as c.604T>A), located in coding exon 8 of the BAP1 gene, results from a T to A substitution at nucleotide position 604. The tryptophan at codon 202 is replaced by arginine, an amino acid with dissimilar properties. This alteration was non-functional in a high throughput genome editing haploid cell survival functional assay (Waters AJ et al. Nat Genet, 2024 Jul;56:1434-1445). Other variant(s) resulting in the same amino acid change (p.W202R (c.604T>C)) have been identified in individual(s) with features consistent with BAP1-related tumor predisposition syndrome (Ambry internal data). This amino acid position is highly conserved in available vertebrate species. In addition, this alteration is predicted to be deleterious by in silico analysis. This variant is considered to be rare based on population cohorts in the Genome Aggregation Database (gnomAD). Based on the supporting evidence, this variant is interpreted as a disease-causing mutation.

Literature cited by the submitters: PubMed 38969833.

NM_004656.4(BAP1):c.604T>A (p.Trp202Arg)

Gene: BAP1 (BRCA1 associated deubiquitinase 1; minus strand). Cytogenetic location: 3p21.1.
Variant type: single nucleotide variant.
Coding change: c.604T>A on transcript NM_004656.4 (MANE Select); coding-DNA position 604, T replaced by A.
Protein change: p.Trp202Arg; replaces tryptophan 202 with arginine.
Molecular consequence: missense variant.
Genome position (GRCh38, 1-based): chr3:52,406,884, A>T on the plus strand (T>A on the coding strand, the complement: BAP1 is on the minus strand). VCF-style: chr3-52406884-A-T. GRCh37 (hg19) VCF-style: chr3-52440900-A-T.
Other names: c.604T>A, p.Trp202Arg (NM_001410772.1); short protein forms W202R.
Identifiers: ClinVar variation 5032738 (VCV005032738.1).
Genomic context (GRCh38, chr3:52,406,884, plus strand): 5'-CTTACCCTGCAGTGGCGAGGCCGATACGCTCCATGATGACCCGCCGGGCCTTGTCTGTCC[A>T]CTCCTCGTCCTCCCCCCAGGGCCCTAGTGGAGACCAAGACAAGGAATCAGCGAGAAGGAA-3'
Protein context (NP_004647.1, residues 192-212): DHGPWGEDEE[Trp202Arg]TDKARRVIME